The following is an entry in ClinVar:

ClinVar aggregate classification (germline): Uncertain significance (1 of 4 stars; one submission).

Conditions:
Inborn genetic diseases. Identifiers: MedGen C0950123, MeSH D030342.

Allele frequency attached by ClinVar (database versions not stated): TOPMed below 0.00001.

Submission:

Ambry Genetics
Classification: Uncertain significance for Inborn genetic diseases. Last evaluated: 2021-04-05. Review status: criteria provided, single submitter. Criteria: Ambry Variant Classification Scheme 2023. Collection method: clinical testing. Allele origin: germline.
Comment: The c.5121+4T>C intronic variant results from a T to C substitution 4 nucleotides after coding exon 29 in the SPG11 gene. This nucleotide position is not well conserved in available vertebrate species. In silico splice site analysis predicts that this alteration will not have any significant effect on splicing. Since supporting evidence is limited at this time, the clinical significance of this alteration remains unclear.

NM_025137.4(SPG11):c.5121+4T>C

Gene: SPG11 (SPG11 vesicle trafficking associated, spatacsin; minus strand). Cytogenetic location: 15q21.1.
Variant type: single nucleotide variant.
Coding change: c.5121+4T>C on transcript NM_025137.4 (MANE Select); 4 bases into the intron after coding-DNA position 5121, T replaced by C.
Molecular consequence: intron variant.
Genome position (GRCh38, 1-based): chr15:44,585,632, A>G on the plus strand (T>C on the coding strand, the complement: SPG11 is on the minus strand). VCF-style: chr15-44585632-A-G. GRCh37 (hg19) VCF-style: chr15-44877830-A-G.
Other names: c.5121+4T>C (NM_001160227.2).
Identifiers: ClinVar variation 1745482 (VCV001745482.2), dbSNP rs2082745646, ClinGen allele CA2173695076.